The following is an entry in ClinVar:

ClinVar aggregate classification (germline): Benign/Likely benign. Review status: criteria provided, multiple submitters, no conflicts (2 of 4 stars). 8 submissions from 8 submitters: Benign (4); Likely benign (2). 2 of the submissions do not count toward it. Last evaluated 2025-12-09.

Conditions:
ARID1A-related disorder. Also called: ARID1A-related condition.
Intellectual disability, autosomal dominant 14 (CSS2). Also called: COFFIN-SIRIS SYNDROME 2. Identifiers: Orphanet 1465, MedGen C3553247, MONDO:0013819, OMIM 614607.

Allele frequency attached by ClinVar (database versions not stated): 1000 Genomes Project 30x 0.00016; 1000 Genomes Project 0.00020; TOPMed 0.00068; gnomAD 0.00104 and 0.00112; ESP Exome Variant Server 0.00108; gnomAD exomes 0.00116 and 0.00146; ExAC 0.00127.
gnomAD v4.1: 2,258 of 1,614,112 alleles (0.14%); highest among the groups gnomAD compares: Non-Finnish European, 0.16%; 3 homozygotes.

Submissions (8):

Labcorp Genetics (formerly Invitae), Labcorp
Classification: Benign. Last evaluated: 2025-12-09. Review status: criteria provided, single submitter. Criteria: Invitae Variant Classification Sherloc (09022015). Collection method: clinical testing. Allele origin: germline.

Blueprint Genetics
Classification: Likely benign. Last evaluated: 2024-11-25. Review status: criteria provided, single submitter. Criteria: ACMG Guidelines, 2015. Collection method: clinical testing. Allele origin: germline.

CeGaT Center for Human Genetics Tuebingen
Classification: Likely benign. Last evaluated: 2023-08-01. Review status: criteria provided, single submitter. Criteria: CeGaT Center For Human Genetics Tuebingen Variant Classification Criteria Version 2. Collection method: clinical testing. Allele origin: germline. Affected: yes. Observed: 2 variant alleles.
Comment: ARID1A: BP4, BS1

Genome-Nilou Lab
Classification: Benign for Intellectual disability, autosomal dominant 14. Last evaluated: 2021-12-05. Review status: criteria provided, single submitter. Criteria: ACMG Guidelines, 2015. Collection method: clinical testing. Allele origin: germline. Affected: no.

GeneDx
Classification: Benign. Last evaluated: 2020-03-11. Review status: criteria provided, single submitter. Criteria: GeneDx Variant Classification Process June 2021. Collection method: clinical testing. Allele origin: germline. Affected: yes.
Comment: This variant is associated with the following publications: (PMID: 29273094, 24382590, 28767289)

Genetic Services Laboratory, University of Chicago
Classification: Benign. Last evaluated: 2017-09-29. Review status: criteria provided, single submitter. Criteria: ACMG Guidelines, 2015. Collection method: clinical testing. Allele origin: germline. Affected: no.

PreventionGenetics, part of Exact Sciences
Classification: Likely benign for ARID1A-related condition. Last evaluated: 2019-02-26. Review status: no assertion criteria provided. Collection method: clinical testing. Allele origin: germline. Not counted in ClinVar's aggregate classification.
Comment: This variant is classified as likely benign based on ACMG/AMP sequence variant interpretation guidelines (Richards et al. 2015 PMID: 25741868, with internal and published modifications).

ITMI
No classification provided. Condition: AllHighlyPenetrant. Last evaluated: 2013-09-19. Review status: no classification provided. Collection method: reference population. Allele origin: germline. Not counted in ClinVar's aggregate classification.
Comment: Please see associated publication for description of ethnicities

Literature cited by the submitters: PubMed 24728327 (cited by ITMI).

NM_006015.6(ARID1A):c.5336A>G (p.Glu1779Gly)

Gene: ARID1A (AT-rich interaction domain 1A; plus strand). Cytogenetic location: 1p36.11.
Variant type: single nucleotide variant.
Coding change: c.5336A>G on transcript NM_006015.6 (MANE Select); coding-DNA position 5336, A replaced by G.
Protein change: p.Glu1779Gly; replaces glutamic acid 1779 with glycine.
Molecular consequence: missense variant.
Genome position (GRCh38, 1-based): chr1:26,779,234, A>G. VCF-style: chr1-26779234-A-G. GRCh37 (hg19) VCF-style: chr1-27105725-A-G.
Other names: c.4685A>G, p.Glu1562Gly (NM_139135.4); short protein forms E1779G, E1562G.
Identifiers: ClinVar variation 133551 (VCV000133551.39), dbSNP rs140946580, ClinGen allele CA156924.